The following is an entry in ClinVar:

ClinVar aggregate classification (germline): Uncertain significance. Review status: criteria provided, multiple submitters, no conflicts (2 of 4 stars). 3 submissions from 3 submitters: Uncertain significance (2). 1 of the submissions does not count toward it. Last evaluated 2024-03-06.

Conditions:
Hereditary cancer-predisposing syndrome. Also called: Hereditary neoplastic syndrome; Tumor predisposition; Neoplastic Syndromes, Hereditary; Hereditary Cancer Syndrome. Identifiers: Orphanet 140162, MedGen C0027672, MeSH D009386, MONDO:0015356.
Lynch-like syndrome.
Hereditary nonpolyposis colorectal neoplasms. Identifiers: MedGen C0009405, MeSH D003123.

gnomAD v4.1: 1 of 1,614,020 alleles (0.000062%); highest among the groups gnomAD compares: Non-Finnish European, 0.000085%; no homozygotes.

Submissions (3):

Color Diagnostics, LLC DBA Color Health
Classification: Uncertain significance for Hereditary cancer-predisposing syndrome. Last evaluated: 2024-03-06. Review status: criteria provided, single submitter. Criteria: ACMG Guidelines, 2015. Collection method: clinical testing. Allele origin: germline.
Comment: This missense variant replaces valine with isoleucine at codon 1152 of the MSH6 protein. Computational prediction suggests that this variant may not impact protein structure and function (internally defined REVEL score threshold <= 0.5, PMID: 27666373). To our knowledge, functional studies have not been reported for this variant. This variant has not been reported in individuals affected with hereditary cancer in the literature. This variant has not been identified in the general population by the Genome Aggregation Database (gnomAD). The available evidence is insufficient to determine the role of this variant in disease conclusively. Therefore, this variant is classified as a Variant of Uncertain Significance.

Labcorp Genetics (formerly Invitae), Labcorp
Classification: Uncertain significance for Hereditary nonpolyposis colorectal neoplasms. Last evaluated: 2023-02-14. Review status: criteria provided, single submitter. Criteria: Invitae Variant Classification Sherloc (09022015). Collection method: clinical testing. Allele origin: germline.
Comment: This sequence change replaces valine, which is neutral and non-polar, with isoleucine, which is neutral and non-polar, at codon 1152 of the MSH6 protein (p.Val1152Ile). This variant is not present in population databases (gnomAD no frequency). This variant has not been reported in the literature in individuals affected with MSH6-related conditions. ClinVar contains an entry for this variant (Variation ID: 956278). Advanced modeling of protein sequence and biophysical properties (such as structural, functional, and spatial information, amino acid conservation, physicochemical variation, residue mobility, and thermodynamic stability) performed at Invitae indicates that this missense variant is not expected to disrupt MSH6 protein function. In summary, the available evidence is currently insufficient to determine the role of this variant in disease. Therefore, it has been classified as a Variant of Uncertain Significance.

Constitutional Genetics Lab, Leon Berard Cancer Center
Classification: Uncertain significance for Lynch-like syndrome. Last evaluated: 2019-07-01. Review status: no assertion criteria provided. Collection method: clinical testing. Allele origin: somatic. Affected: yes. Not counted in ClinVar's aggregate classification.

NM_000179.3(MSH6):c.3454G>A (p.Val1152Ile)

Gene: MSH6 (mutS homolog 6; plus strand). Cytogenetic location: 2p16.3.
Variant type: single nucleotide variant.
Coding change: c.3454G>A on transcript NM_000179.3 (MANE Select); coding-DNA position 3454, G replaced by A.
Protein change: p.Val1152Ile; replaces valine 1152 with isoleucine.
Molecular consequence: missense variant.
Genome position (GRCh38, 1-based): chr2:47,804,925, G>A. VCF-style: chr2-47804925-G-A. GRCh37 (hg19) VCF-style: chr2-48032064-G-A.
Other names: c.3064G>A, p.Val1022Ile (NM_001281492.2); c.2548G>A, p.Val850Ile (NM_001281493.2, NM_001281494.2); short protein forms V850I, V1022I, V1152I.
Identifiers: ClinVar variation 956278 (VCV000956278.13), dbSNP rs1572738396, ClinGen allele CA346760010.